The following is an entry in ClinVar:

NM_020207.7(ERCC6L2):c.4141A>G (p.Thr1381Ala)

Gene: ERCC6L2 (ERCC excision repair 6 like 2; plus strand). Cytogenetic location: 9q22.32.
Variant type: single nucleotide variant.
Coding change: c.4141A>G on transcript NM_020207.7 (MANE Select); coding-DNA position 4141, A replaced by G.
Protein change: p.Thr1381Ala; replaces threonine 1381 with alanine.
Molecular consequence: missense variant. On other transcripts: non-coding transcript variant (1), intron variant (2).
Genome position (GRCh38, 1-based): chr9:96,012,691, A>G. VCF-style: chr9-96012691-A-G. GRCh37 (hg19) VCF-style: chr9-98774973-A-G.
Other names: c.3674+7990A>G (NM_001375291.1, NM_001375292.1); short protein forms T1381A.
Identifiers: ClinVar variation 3674615 (VCV003674615.2).

ClinVar aggregate classification (germline): Uncertain significance (1 of 4 stars; one submission).

gnomAD v4.1: 5 of 1,367,688 alleles (0.00037%); highest among the groups gnomAD compares: African/African-American, 0.0015%; no homozygotes.

Submission:

Labcorp Genetics (formerly Invitae), Labcorp
Classification: Uncertain significance. Last evaluated: 2025-07-17. Review status: criteria provided, single submitter. Criteria: Invitae Variant Classification Sherloc (09022015). Collection method: clinical testing. Allele origin: germline.
Comment: This sequence change replaces threonine, which is neutral and polar, with alanine, which is neutral and non-polar, at codon 1392 of the ERCC6L2 protein (p.Thr1392Ala). This variant is not present in population databases (gnomAD no frequency). This variant has not been reported in the literature in individuals affected with ERCC6L2-related conditions. ClinVar contains an entry for this variant (Variation ID: 3674615). Experimental studies and prediction algorithms are not available or were not evaluated, and the functional significance of this variant is currently unknown. In summary, the available evidence is currently insufficient to determine the role of this variant in disease. Therefore, it has been classified as a Variant of Uncertain Significance.